The following is an entry in ClinVar:

NM_016156.6(MTMR2):c.1770+3A>T

Gene: MTMR2 (myotubularin related protein 2; minus strand). Cytogenetic location: 11q21.
Variant type: single nucleotide variant.
Coding change: c.1770+3A>T on transcript NM_016156.6 (MANE Select); 3 bases into the intron after coding-DNA position 1770, A replaced by T.
Molecular consequence: intron variant.
Genome position (GRCh38, 1-based): chr11:95,836,145, T>A on the plus strand (A>T on the coding strand, the complement: MTMR2 is on the minus strand). VCF-style: chr11-95836145-T-A. GRCh37 (hg19) VCF-style: chr11-95569309-T-A.
Other names: c.1554+3A>T (NM_201281.3, NM_201278.3, NM_001243571.2).
Identifiers: ClinVar variation 2189248 (VCV002189248.4), dbSNP rs756909627, ClinGen allele CA6239885.

ClinVar aggregate classification (germline): Uncertain significance (1 of 4 stars; one submission).

Conditions:
Charcot-Marie-Tooth disease type 4. Also called: Charcot-Marie-Tooth disease, type IV; Charcot-Marie-Tooth, Type 4. Identifiers: Orphanet 64749, MedGen C4082197, MONDO:0018995.

Allele frequency attached by ClinVar (database versions not stated): ExAC 0.00002.
gnomAD v4.1: 3 of 1,612,026 alleles (0.00019%); highest among the groups gnomAD compares: Non-Finnish European, 0.00025%; no homozygotes.

Submission:

Labcorp Genetics (formerly Invitae), Labcorp
Classification: Uncertain significance for Charcot-Marie-Tooth disease type 4. Last evaluated: 2024-09-09. Review status: criteria provided, single submitter. Criteria: Invitae Variant Classification Sherloc (09022015). Collection method: clinical testing. Allele origin: germline.
Comment: This sequence change falls in intron 14 of the MTMR2 gene. It does not directly change the encoded amino acid sequence of the MTMR2 protein. It affects a nucleotide within the consensus splice site. This variant is present in population databases (rs756909627, gnomAD 0.002%). This variant has not been reported in the literature in individuals affected with MTMR2-related conditions. ClinVar contains an entry for this variant (Variation ID: 2189248). Variants that disrupt the consensus splice site are a relatively common cause of aberrant splicing (PMID: 17576681, 9536098). Algorithms developed to predict the effect of sequence changes on RNA splicing suggest that this variant is not likely to affect RNA splicing. In summary, the available evidence is currently insufficient to determine the role of this variant in disease. Therefore, it has been classified as a Variant of Uncertain Significance.

Literature cited by the submitters: PubMed 17576681; PubMed 9536098.